The following is an entry in ClinVar:

ClinVar aggregate classification (germline): Uncertain significance (1 of 4 stars; one submission).

Allele frequency attached by ClinVar (database versions not stated): ExAC 0.00001; TOPMed 0.00001; gnomAD exomes 0.00003.
gnomAD v4.1: 39 of 1,602,868 alleles (0.0024%); highest among the groups gnomAD compares: Non-Finnish European, 0.0031%; no homozygotes.

Submission:

GeneDx
Classification: Uncertain significance. Last evaluated: 2024-04-12. Review status: criteria provided, single submitter. Criteria: GeneDx Variant Classification Process June 2021. Collection method: clinical testing. Allele origin: germline. Affected: yes.
Comment: Not observed at a significant frequency in large population cohorts (gnomAD); In silico analysis supports that this missense variant does not alter protein structure/function; Has not been previously published as pathogenic or benign to our knowledge

NM_001164508.2(NEB):c.926C>T (p.Thr309Ile)

Gene: NEB (nebulin; minus strand). Cytogenetic location: 2q23.3.
Variant type: single nucleotide variant.
Coding change: c.926C>T on transcript NM_001164508.2 (MANE Select); coding-DNA position 926, C replaced by T.
Protein change: p.Thr309Ile; replaces threonine 309 with isoleucine.
Molecular consequence: missense variant.
Genome position (GRCh38, 1-based): chr2:151,710,435, G>A on the plus strand (C>T on the coding strand, the complement: NEB is on the minus strand). VCF-style: chr2-151710435-G-A. GRCh37 (hg19) VCF-style: chr2-152566949-G-A.
Other names: c.926C>T, p.Thr309Ile (NM_001164507.2, NM_001271208.2, NM_004543.5); short protein forms T309I.
Identifiers: ClinVar variation 3253043 (VCV003253043.1), dbSNP rs762215688.